The following is an entry in ClinVar:

NM_000245.4(MET):c.3443G>T (p.Arg1148Leu)

Gene: MET (MET proto-oncogene, receptor tyrosine kinase; plus strand). Cytogenetic location: 7q31.2.
Variant type: single nucleotide variant.
Coding change: c.3443G>T on transcript NM_000245.4 (MANE Select); coding-DNA position 3443, G replaced by T.
Protein change: p.Arg1148Leu; replaces arginine 1148 with leucine.
Molecular consequence: missense variant.
Genome position (GRCh38, 1-based): chr7:116,778,878, G>T. VCF-style: chr7-116778878-G-T. GRCh37 (hg19) VCF-style: chr7-116418932-G-T.
Other names: c.3497G>T, p.Arg1166Leu (NM_001127500.3); c.2153G>T, p.Arg718Leu (NM_001324402.2); short protein forms R718L, R1166L, R1148L.
Identifiers: ClinVar variation 2567674 (VCV002567674.2), dbSNP rs761808213, ClinGen allele CA368990164.

ClinVar aggregate classification (germline): Uncertain significance (1 of 4 stars; one submission).

Conditions:
Hereditary cancer-predisposing syndrome. Also called: Hereditary neoplastic syndrome; Hereditary Cancer Syndrome; Neoplastic Syndromes, Hereditary; Tumor predisposition. Identifiers: Orphanet 140162, MedGen C0027672, MeSH D009386, MONDO:0015356.

Submission:

Ambry Genetics
Classification: Uncertain significance for Hereditary cancer-predisposing syndrome. Last evaluated: 2023-03-25. Review status: criteria provided, single submitter. Criteria: Ambry Variant Classification Scheme 2023. Collection method: clinical testing. Allele origin: germline.
Comment: The p.R1166L variant (also known as c.3497G>T), located in coding exon 16 of the MET gene, results from a G to T substitution at nucleotide position 3497. The arginine at codon 1166 is replaced by leucine, an amino acid with dissimilar properties. This amino acid position is conserved. In addition, this alteration is predicted to be tolerated by in silico analysis. Since supporting evidence is limited at this time, the clinical significance of this alteration remains unclear.